The following is an entry in ClinVar:

ClinVar aggregate classification (germline): Uncertain significance (1 of 4 stars; one submission).

Submission:

Labcorp Genetics (formerly Invitae), Labcorp
Classification: Uncertain significance. Last evaluated: 2023-09-22. Review status: criteria provided, single submitter. Criteria: Invitae Variant Classification Sherloc (09022015). Collection method: clinical testing. Allele origin: germline.
Comment: Advanced modeling of protein sequence and biophysical properties (such as structural, functional, and spatial information, amino acid conservation, physicochemical variation, residue mobility, and thermodynamic stability) performed at Invitae indicates that this missense variant is expected to disrupt DUOX2 protein function. In summary, the available evidence is currently insufficient to determine the role of this variant in disease. Therefore, it has been classified as a Variant of Uncertain Significance. This variant has not been reported in the literature in individuals affected with DUOX2-related conditions. This variant is not present in population databases (gnomAD no frequency). This sequence change replaces aspartic acid, which is acidic and polar, with histidine, which is basic and polar, at codon 870 of the DUOX2 protein (p.Asp870His).

NM_001363711.2(DUOX2):c.2608G>C (p.Asp870His)

Gene: DUOX2 (dual oxidase 2; minus strand). Cytogenetic location: 15q21.1.
Variant type: single nucleotide variant.
Coding change: c.2608G>C on transcript NM_001363711.2 (MANE Select); coding-DNA position 2608, G replaced by C.
Protein change: p.Asp870His; replaces aspartic acid 870 with histidine.
Molecular consequence: missense variant.
Genome position (GRCh38, 1-based): chr15:45,104,006, C>G on the plus strand (G>C on the coding strand, the complement: DUOX2 is on the minus strand). VCF-style: chr15-45104006-C-G. GRCh37 (hg19) VCF-style: chr15-45396204-C-G.
Other names: c.2608G>C, p.Asp870His (NM_014080.5); short protein forms D870H.
Identifiers: ClinVar variation 2762583 (VCV002762583.3), dbSNP rs2504760802, ClinGen allele CA392268842.